The following is an entry in ClinVar:

NM_005219.5(DIAPH1):c.1836_1837insTCTCCT (p.Pro612_Pro613insSerPro)

Gene: DIAPH1 (diaphanous related formin 1; minus strand). Cytogenetic location: 5q31.3.
Variant type: Insertion.
Coding change: c.1836_1837insTCTCCT on transcript NM_005219.5 (MANE Select); coding-DNA positions 1836 to 1837, TCTCCT inserted.
Protein change: p.Pro612_Pro613insSerPro.
Molecular consequence: inframe insertion.
Genome position: GRCh38 VCF-style: chr5-141574013-G-GAGGAGA. GRCh37 (hg19) VCF-style: chr5-140953580-G-GAGGAGA.
Other names: c.1809_1810insTCTCCT, p.Pro603_Pro604insSerPro (NM_001079812.3); c.1836_1837insTCTCCT, p.Pro612_Pro613insSerPro (NM_001314007.2).
Identifiers: ClinVar variation 2018217 (VCV002018217.4), dbSNP rs2513741532, ClinGen allele CA2580072997.

ClinVar aggregate classification (germline): Uncertain significance (1 of 4 stars; one submission).

Conditions:
Autosomal dominant nonsyndromic hearing loss 1. Also called: KONIGSMARK SYNDROME; DEAFNESS, AUTOSOMAL DOMINANT 1, WITH OR WITHOUT THROMBOCYTOPENIA. Identifiers: Orphanet 90635, MedGen C1852282, MONDO:0007424, OMIM 124900.
Progressive microcephaly-seizures-cortical blindness-developmental delay syndrome. Also called: Seizures, cortical blindness, and microcephaly syndrome. Identifiers: Orphanet 477814, MedGen C5567650, MONDO:0014714, OMIM 616632.

Submission:

Labcorp Genetics (formerly Invitae), Labcorp
Classification: Uncertain significance for Progressive microcephaly-seizures-cortical blindness-developmental delay syndrome; Autosomal dominant nonsyndromic hearing loss 1. Last evaluated: 2022-07-19. Review status: criteria provided, single submitter. Criteria: Invitae Variant Classification Sherloc (09022015). Collection method: clinical testing. Allele origin: germline.
Comment: In summary, the available evidence is currently insufficient to determine the role of this variant in disease. Therefore, it has been classified as a Variant of Uncertain Significance. Algorithms developed to predict the effect of sequence changes on RNA splicing suggest that this variant may disrupt the consensus splice site. This variant has not been reported in the literature in individuals affected with DIAPH1-related conditions. This variant is not present in population databases (gnomAD no frequency). This variant, c.1836_1837insTCTCCT, results in the insertion of 2 amino acid(s) of the DIAPH1 protein (p.Pro612_Pro613insSerPro), but otherwise preserves the integrity of the reading frame.